The following is an entry in ClinVar:

ClinVar aggregate classification (germline): Uncertain significance. Review status: criteria provided, multiple submitters, no conflicts (2 of 4 stars). 4 submissions from 4 submitters: Uncertain significance (4). Last evaluated 2025-08-20.

Conditions:
Hereditary cancer-predisposing syndrome. Also called: Neoplastic Syndromes, Hereditary; Tumor predisposition; Hereditary Cancer Syndrome; Hereditary neoplastic syndrome. Identifiers: Orphanet 140162, MedGen C0027672, MeSH D009386, MONDO:0015356.
Familial cancer of breast. Also called: hereditary breast carcinoma; BREAST CANCER, FAMILIAL; Hereditary breast cancer. Identifiers: Orphanet 227535, MedGen C0346153, MONDO:0016419, OMIM 114480. Disease mechanism: loss of function.

Allele frequency attached by ClinVar (database versions not stated): gnomAD exomes below 0.00001 and 0.00001.
gnomAD v4.1: 2 of 1,614,044 alleles (0.00012%); highest among the groups gnomAD compares: East Asian, 0.0022%; no homozygotes.

Submissions (4):

Labcorp Genetics (formerly Invitae), Labcorp
Classification: Uncertain significance for Familial cancer of breast. Last evaluated: 2025-08-20. Review status: criteria provided, single submitter. Criteria: Invitae Variant Classification Sherloc (09022015). Collection method: clinical testing. Allele origin: germline.
Comment: This sequence change replaces methionine, which is neutral and non-polar, with threonine, which is neutral and polar, at codon 584 of the BARD1 protein (p.Met584Thr). This variant is present in population databases (no rsID available, gnomAD 0.01%). This variant has not been reported in the literature in individuals affected with BARD1-related conditions. ClinVar contains an entry for this variant (Variation ID: 651213). An algorithm developed to predict the effect of missense changes on protein structure and function (PolyPhen-2) suggests that this variant is likely to be tolerated. In summary, the available evidence is currently insufficient to determine the role of this variant in disease. Therefore, it has been classified as a Variant of Uncertain Significance.

Ambry Genetics
Classification: Uncertain significance for Hereditary cancer-predisposing syndrome. Last evaluated: 2023-12-19. Review status: criteria provided, single submitter. Criteria: Ambry Variant Classification Scheme 2023. Collection method: clinical testing. Allele origin: germline.
Comment: The p.M584T variant (also known as c.1751T>C), located in coding exon 8 of the BARD1 gene, results from a T to C substitution at nucleotide position 1751. The methionine at codon 584 is replaced by threonine, an amino acid with similar properties. This amino acid position is not well conserved in available vertebrate species. In addition, this alteration is predicted to be tolerated by in silico analysis. Since supporting evidence is limited at this time, the clinical significance of this alteration remains unclear.

Baylor Genetics
Classification: Uncertain significance for Familial cancer of breast. Last evaluated: 2023-07-20. Review status: criteria provided, single submitter. Criteria: ACMG Guidelines, 2015. Collection method: clinical testing. Allele origin: unknown.

Color Diagnostics, LLC DBA Color Health
Classification: Uncertain significance for Hereditary cancer-predisposing syndrome. Last evaluated: 2022-11-01. Review status: criteria provided, single submitter. Criteria: ACMG Guidelines, 2015. Collection method: clinical testing. Allele origin: germline.
Comment: This missense variant replaces methionine with threonine at codon 584 of the BARD1 protein. Computational prediction suggests that this variant may not impact protein structure and function (internally defined REVEL score threshold <= 0.5, PMID: 27666373). To our knowledge, functional studies have not been reported for this variant. This variant has not been reported in individuals affected with hereditary cancer in the literature. This variant has been identified in 2/251338 chromosomes in the general population by the Genome Aggregation Database (gnomAD). The available evidence is insufficient to determine the role of this variant in disease conclusively. Therefore, this variant is classified as a Variant of Uncertain Significance.

NM_000465.4(BARD1):c.1751T>C (p.Met584Thr)

Gene: BARD1 (BRCA1 associated RING domain 1; minus strand). Cytogenetic location: 2q35.
Variant type: single nucleotide variant.
Coding change: c.1751T>C on transcript NM_000465.4 (MANE Select); coding-DNA position 1751, T replaced by C.
Protein change: p.Met584Thr; replaces methionine 584 with threonine.
Molecular consequence: missense variant. On other transcripts: non-coding transcript variant (3), intron variant (1).
Genome position (GRCh38, 1-based): chr2:214,745,781, A>G on the plus strand (T>C on the coding strand, the complement: BARD1 is on the minus strand). VCF-style: chr2-214745781-A-G. GRCh37 (hg19) VCF-style: chr2-215610505-A-G.
Other names: c.1694T>C, p.Met565Thr (NM_001282543.2); c.398T>C, p.Met133Thr (NM_001282545.2); c.341T>C, p.Met114Thr (NM_001282548.2); c.365-15273T>C (NM_001282549.2); short protein forms M114T, M584T, M133T, M565T.
Identifiers: ClinVar variation 651213 (VCV000651213.20), dbSNP rs1392588415, ClinGen allele CA350452918.
Genomic context (GRCh38, chr2:214,745,781, plus strand): 5'-CCTGTACTGTCAAACTCAGTATATTTTTTAGCCTTAAGAATTACTGCAAGCTCACTGAGC[A>G]TTTTCTGTTGTTCTGAAGACAGCCCACTGCCTATAAGTACAAGAGGTCCATCCCTACGCT-3'
Protein context (NP_000456.2, residues 574-594): GSGLSSEQQK[Met584Thr]LSELAVILKA